The following is an entry in ClinVar:

ClinVar aggregate classification (germline): Uncertain significance. Review status: criteria provided, multiple submitters, no conflicts (2 of 4 stars). 2 submissions from 2 submitters: Uncertain significance (2). Last evaluated 2023-03-11.

Conditions:
Familial hypobetalipoproteinemia 1. Also called: APOB-Related Familial Hypobetalipoproteinemia; Hypobetalipoproteinemia, normotriglyceridemic; Acanthocytosis with hypobetalipoproteinemia. Identifiers: MedGen C4551990, MONDO:0014252, OMIM 615558.
Hypercholesterolemia, autosomal dominant, type B (FHCL2). Also called: Familial Hypercholesterolemia Type B; APOLIPOPROTEIN B-100, FAMILIAL DEFECTIVE; APOLIPOPROTEIN B-100, FAMILIAL LIGAND-DEFECTIVE; HYPERCHOLESTEROLEMIA, FAMILIAL, DUE TO LIGAND-DEFECTIVE APOLIPOPROTEIN B; APOB-Related Familial Hypercholesterolemia, Autosomal Dominant; Familial hypercholesterolemia 2. Identifiers: MedGen C1704417, MONDO:0007751, OMIM 144010.
Cardiovascular phenotype. Identifiers: MedGen CN230736.

gnomAD v4.1: 3 of 1,614,072 alleles (0.00019%); highest among the groups gnomAD compares: Non-Finnish European, 0.00025%; no homozygotes.

Submissions (2):

Ambry Genetics
Classification: Uncertain significance for Cardiovascular phenotype. Last evaluated: 2023-03-11. Review status: criteria provided, single submitter. Criteria: Ambry Variant Classification Scheme 2023. Collection method: clinical testing. Allele origin: germline.
Comment: The p.N3358S variant (also known as c.10073A>G), located in coding exon 26 of the APOB gene, results from an A to G substitution at nucleotide position 10073. The asparagine at codon 3358 is replaced by serine, an amino acid with highly similar properties. This amino acid position is conserved. In addition, this alteration is predicted to be tolerated by in silico analysis. Since supporting evidence is limited at this time, the clinical significance of this alteration remains unclear.

Labcorp Genetics (formerly Invitae), Labcorp
Classification: Uncertain significance for Familial hypobetalipoproteinemia 1; Hypercholesterolemia, autosomal dominant, type B. Last evaluated: 2021-04-17. Review status: criteria provided, single submitter. Criteria: Invitae Variant Classification Sherloc (09022015). Collection method: clinical testing. Allele origin: germline.
Comment: In summary, the available evidence is currently insufficient to determine the role of this variant in disease. Therefore, it has been classified as a Variant of Uncertain Significance. Algorithms developed to predict the effect of sequence changes on RNA splicing suggest that this variant may create or strengthen a splice site, but this prediction has not been confirmed by published transcriptional studies. Algorithms developed to predict the effect of missense changes on protein structure and function are either unavailable or do not agree on the potential impact of this missense change (SIFT: "Deleterious"; PolyPhen-2: "Probably Damaging"; Align-GVGD: "Class C0"). This variant has not been reported in the literature in individuals with APOB-related conditions. This variant is not present in population databases (ExAC no frequency). This sequence change replaces asparagine with serine at codon 3358 of the APOB protein (p.Asn3358Ser). The asparagine residue is highly conserved and there is a small physicochemical difference between asparagine and serine.

NM_000384.3(APOB):c.10073A>G (p.Asn3358Ser)

Gene: APOB (apolipoprotein B; minus strand). Cytogenetic location: 2p24.1.
Variant type: single nucleotide variant.
Coding change: c.10073A>G on transcript NM_000384.3 (MANE Select); coding-DNA position 10073, A replaced by G.
Protein change: p.Asn3358Ser; replaces asparagine 3358 with serine.
Molecular consequence: missense variant.
Genome position (GRCh38, 1-based): chr2:21,006,795, T>C on the plus strand (A>G on the coding strand, the complement: APOB is on the minus strand). VCF-style: chr2-21006795-T-C. GRCh37 (hg19) VCF-style: chr2-21229667-T-C.
Other names: c.10073A>G (NM_000384.2); short protein forms N3358S.
Identifiers: ClinVar variation 1372528 (VCV001372528.7), dbSNP rs2103352287, ClinGen allele CA345987593.